The following is an entry in ClinVar:

NM_001291303.3(FAT4):c.10957C>T (p.Leu3653Phe)

Gene: FAT4 (FAT atypical cadherin 4; plus strand). Cytogenetic location: 4q28.1.
Variant type: single nucleotide variant.
Coding change: c.10957C>T on transcript NM_001291303.3 (MANE Select); coding-DNA position 10957, C replaced by T.
Protein change: p.Leu3653Phe; replaces leucine 3653 with phenylalanine.
Molecular consequence: missense variant.
Genome position (GRCh38, 1-based): chr4:125,451,967, C>T. VCF-style: chr4-125451967-C-T. GRCh37 (hg19) VCF-style: chr4-126373122-C-T.
Other names: c.10957C>T, p.Leu3653Phe (NM_001291285.3); c.10951C>T, p.Leu3651Phe (NM_024582.6); short protein forms L3653F, L3651F.
Identifiers: ClinVar variation 2831930 (VCV002831930.3), dbSNP rs2530913927, ClinGen allele CA358160310.

ClinVar aggregate classification (germline): Uncertain significance (1 of 4 stars; one submission).

Submission:

Labcorp Genetics (formerly Invitae), Labcorp
Classification: Uncertain significance. Last evaluated: 2023-03-02. Review status: criteria provided, single submitter. Criteria: Invitae Variant Classification Sherloc (09022015). Collection method: clinical testing. Allele origin: germline.
Comment: This sequence change replaces leucine, which is neutral and non-polar, with phenylalanine, which is neutral and non-polar, at codon 3651 of the FAT4 protein (p.Leu3651Phe). This variant is not present in population databases (gnomAD no frequency). This variant has not been reported in the literature in individuals affected with FAT4-related conditions. Advanced modeling of protein sequence and biophysical properties (such as structural, functional, and spatial information, amino acid conservation, physicochemical variation, residue mobility, and thermodynamic stability) performed at Invitae indicates that this missense variant is expected to disrupt FAT4 protein function. In summary, the available evidence is currently insufficient to determine the role of this variant in disease. Therefore, it has been classified as a Variant of Uncertain Significance.